The following is an entry in ClinVar:

NM_203446.3(SYNJ1):c.988A>T (p.Met330Leu)

Gene: SYNJ1 (synaptojanin 1; minus strand). Cytogenetic location: 21q22.11.
Variant type: single nucleotide variant.
Coding change: c.988A>T on transcript NM_203446.3 (MANE Select); coding-DNA position 988, A replaced by T.
Protein change: p.Met330Leu; replaces methionine 330 with leucine.
Molecular consequence: missense variant.
Genome position (GRCh38, 1-based): chr21:32,685,878, T>A on the plus strand (A>T on the coding strand, the complement: SYNJ1 is on the minus strand). VCF-style: chr21-32685878-T-A. GRCh37 (hg19) VCF-style: chr21-34058188-T-A.
Other names: c.988A>T, p.Met330Leu (NM_001160302.2, NM_001160306.2); c.1105A>T, p.Met369Leu (NM_003895.4); short protein forms M330L, M369L.
Identifiers: ClinVar variation 1056959 (VCV001056959.9), dbSNP rs1438694992, ClinGen allele CA410093267.
Genomic context (GRCh38, chr21:32,685,878, plus strand): 5'-CACTATGTAATTTTTCTGCCTTTCCTCCCTTAACCATTTGATGATAGTCAAAATTCACCA[T>A]CTGGATATCAGCAGCATGTTCAGAAGCTTTCAAATGACTCTGAAAGTAAAAAGGCAAATA-3'
Protein context (NP_982271.3, residues 320-340): KASEHAADIQ[Met330Leu]VNFDYHQMVK

ClinVar aggregate classification (germline): Uncertain significance (1 of 4 stars; one submission).

Conditions:
Developmental and epileptic encephalopathy, 53. Also called: Epileptic encephalopathy, early infantile, 53. Identifiers: MedGen C4479313, MONDO:0033362, OMIM 617389.
Early-onset Parkinson disease 20. Also called: PARKINSON DISEASE 20, AUTOSOMAL RECESSIVE EARLY-ONSET. Identifiers: Orphanet 391411, MedGen C3809824, MONDO:0014233, OMIM 615530.

Allele frequency attached by ClinVar (database versions not stated): gnomAD 0.00001; TOPMed 0.00001.
gnomAD v4.1: 13 of 1,612,146 alleles (0.00081%); highest among the groups gnomAD compares: Non-Finnish European, 0.0011%; no homozygotes.

Submission:

Labcorp Genetics (formerly Invitae), Labcorp
Classification: Uncertain significance for Developmental and epileptic encephalopathy, 53; Early-onset Parkinson disease 20. Last evaluated: 2022-09-07. Review status: criteria provided, single submitter. Criteria: Invitae Variant Classification Sherloc (09022015). Collection method: clinical testing. Allele origin: germline.
Comment: This variant has not been reported in the literature in individuals affected with SYNJ1-related conditions. In summary, the available evidence is currently insufficient to determine the role of this variant in disease. Therefore, it has been classified as a Variant of Uncertain Significance. Algorithms developed to predict the effect of missense changes on protein structure and function (SIFT, PolyPhen-2, Align-GVGD) all suggest that this variant is likely to be tolerated. ClinVar contains an entry for this variant (Variation ID: 1056959). This variant is not present in population databases (gnomAD no frequency). This sequence change replaces methionine, which is neutral and non-polar, with leucine, which is neutral and non-polar, at codon 369 of the SYNJ1 protein (p.Met369Leu).